The following is an entry in ClinVar:

NM_001321075.3(DLG4):c.96+12C>T

Gene: DLG4 (discs large MAGUK scaffold protein 4; minus strand). Cytogenetic location: 17p13.1.
Variant type: single nucleotide variant.
Coding change: c.96+12C>T on transcript NM_001321075.3 (MANE Select); 12 bases into the intron after coding-DNA position 96, C replaced by T.
Molecular consequence: intron variant.
Genome position (GRCh38, 1-based): chr17:7,208,162, G>A on the plus strand (C>T on the coding strand, the complement: DLG4 is on the minus strand). VCF-style: chr17-7208162-G-A. GRCh37 (hg19) VCF-style: chr17-7111481-G-A.
Other names: c.225+12C>T (NM_001365.5, NM_001321074.1); c.96+12C>T (NM_001128827.4).
Identifiers: ClinVar variation 4821246 (VCV004821246.5).

ClinVar aggregate classification (germline): Likely benign. Review status: criteria provided, multiple submitters, no conflicts (2 of 4 stars). 2 submissions from 2 submitters: Likely benign (2). Last evaluated 2025-12-01.

gnomAD v4.1: 116 of 1,317,350 alleles (0.0088%); highest among the groups gnomAD compares: Non-Finnish European, 0.009%; no homozygotes.

Submissions (2):

CeGaT Center for Human Genetics Tuebingen
Classification: Likely benign. Last evaluated: 2025-12-01. Review status: criteria provided, single submitter. Criteria: CeGaT Center For Human Genetics Tuebingen Variant Classification Criteria Version 2. Collection method: clinical testing. Allele origin: germline. Affected: yes. Observed: 1 variant allele.
Comment: DLG4: BP4, BP7

Blueprint Genetics
Classification: Likely benign. Last evaluated: 2024-11-27. Review status: criteria provided, single submitter. Criteria: ACMG Guidelines, 2015. Collection method: clinical testing. Allele origin: germline.